The following is an entry in ClinVar:

ClinVar aggregate classification (germline): Uncertain significance (1 of 4 stars; one submission).

Conditions:
Leukocyte adhesion deficiency 1 (LAD1). Also called: LEUKOCYTE ADHESION DEFICIENCY, TYPE I; LAD 1; Lymphocyte function-associated antigen 1 immunodeficiency; LFA 1 immunodeficiency. Identifiers: Orphanet 2968, Orphanet 99842, MedGen C0398738, MONDO:0007293, OMIM 116920.

Allele frequency attached by ClinVar (database versions not stated): ExAC 0.00001; gnomAD 0.00001; gnomAD exomes 0.00001; TOPMed 0.00002.
gnomAD v4.1: 9 of 1,613,552 alleles (0.00056%); highest among the groups gnomAD compares: African/African-American, 0.0013%; no homozygotes.

Submission:

Labcorp Genetics (formerly Invitae), Labcorp
Classification: Uncertain significance for Leukocyte adhesion deficiency 1. Last evaluated: 2019-02-03. Review status: criteria provided, single submitter. Criteria: Invitae Variant Classification Sherloc (09022015). Collection method: clinical testing. Allele origin: germline.
Comment: In summary, the available evidence is currently insufficient to determine the role of this variant in disease. Therefore, it has been classified as a Variant of Uncertain Significance. Algorithms developed to predict the effect of missense changes on protein structure and function (SIFT, PolyPhen-2, Align-GVGD) all suggest that this variant is likely to be disruptive, but these predictions have not been confirmed by published functional studies and their clinical significance is uncertain. This variant has not been reported in the literature in individuals with ITGB2-related conditions. This variant is present in population databases (rs758627354, ExAC 0.002%). This sequence change replaces serine with leucine at codon 303 of the ITGB2 protein (p.Ser303Leu). The serine residue is highly conserved and there is a large physicochemical difference between serine and leucine.

NM_000211.5(ITGB2):c.908C>T (p.Ser303Leu)

Gene: ITGB2 (integrin subunit beta 2; minus strand). Cytogenetic location: 21q22.3.
Variant type: single nucleotide variant.
Coding change: c.908C>T on transcript NM_000211.5 (MANE Select); coding-DNA position 908, C replaced by T.
Protein change: p.Ser303Leu; replaces serine 303 with leucine.
Molecular consequence: missense variant.
Genome position (GRCh38, 1-based): chr21:44,899,152, G>A on the plus strand (C>T on the coding strand, the complement: ITGB2 is on the minus strand). VCF-style: chr21-44899152-G-A. GRCh37 (hg19) VCF-style: chr21-46319067-G-A.
Other names: c.908C>T, p.Ser303Leu (NM_001127491.3); c.701C>T, p.Ser234Leu (NM_001303238.2); short protein forms S234L, S303L.
Identifiers: ClinVar variation 844809 (VCV000844809.10), dbSNP rs758627354, ClinGen allele CA10063005.